The following is an entry in ClinVar:

ClinVar aggregate classification (germline): Uncertain significance. Review status: criteria provided, multiple submitters, no conflicts (2 of 4 stars). 3 submissions from 3 submitters: Uncertain significance (2). 1 of the submissions does not count toward it. Last evaluated 2023-10-17.

Conditions:
Retinal dystrophy. Also called: Inherited retinal dystrophy. Identifiers: Orphanet 71862, MedGen C0854723, MeSH D058499, MONDO:0019118, HP:0000556.
Inborn genetic diseases. Identifiers: MedGen C0950123, MeSH D030342.

Allele frequency attached by ClinVar (database versions not stated): gnomAD below 0.00001 and 0.00001; TOPMed below 0.00001; gnomAD exomes 0.00009; ExAC 0.00008.

Submissions (3):

Ambry Genetics
Classification: Uncertain significance for Inborn genetic diseases. Last evaluated: 2023-10-17. Review status: criteria provided, single submitter. Criteria: Ambry Variant Classification Scheme 2023. Collection method: clinical testing. Allele origin: germline.

Labcorp Genetics (formerly Invitae), Labcorp
Classification: Uncertain significance. Last evaluated: 2021-08-26. Review status: criteria provided, single submitter. Criteria: Invitae Variant Classification Sherloc (09022015). Collection method: clinical testing. Allele origin: germline.
Comment: This sequence change replaces glutamic acid with lysine at codon 303 of the POC1B protein (p.Glu303Lys). The glutamic acid residue is weakly conserved and there is a small physicochemical difference between glutamic acid and lysine. This variant is present in population databases (rs776033960, ExAC 0.06%). This variant has not been reported in the literature in individuals affected with POC1B-related conditions. Algorithms developed to predict the effect of missense changes on protein structure and function (SIFT, PolyPhen-2, Align-GVGD) all suggest that this variant is likely to be tolerated. In summary, the available evidence is currently insufficient to determine the role of this variant in disease. Therefore, it has been classified as a Variant of Uncertain Significance.

Institute of Human Genetics, Univ. Regensburg, Univ. Regensburg
Classification: Uncertain significance for Retinal dystrophy. Last evaluated: 2023-01-01. Review status: no assertion criteria provided. Criteria: ACMG Guidelines, 2015. Collection method: clinical testing. Allele origin: germline. Affected: yes. Not counted in ClinVar's aggregate classification.

NM_172240.3(POC1B):c.907G>A (p.Glu303Lys)

Genes: POC1B (POC1 centriolar protein B; minus strand), POC1B-DUSP6 (POC1B-DUSP6 readthrough; minus strand). Cytogenetic location: 12q21.33.
Variant type: single nucleotide variant.
Coding change: c.907G>A on transcript NM_172240.3 (MANE Select); coding-DNA position 907, G replaced by A.
Protein change: p.Glu303Lys; replaces glutamic acid 303 with lysine.
Molecular consequence: missense variant. On other transcripts: non-coding transcript variant (2).
Genome position (GRCh38, 1-based): chr12:89,466,895, C>T on the plus strand (G>A on the coding strand, the complement: POC1B is on the minus strand). VCF-style: chr12-89466895-C-T. GRCh37 (hg19) VCF-style: chr12-89860672-C-T.
Other names: c.781G>A, p.Glu261Lys (NM_001199777.2); short protein forms E303K, E261K.
Identifiers: ClinVar variation 850187 (VCV000850187.9), dbSNP rs776033960, ClinGen allele CA6714346.
Genomic context (GRCh38, chr12:89,466,895, plus strand): 5'-GTGGTGAATCAAAATGTAATCTTTTGAGATTTCTTTTGGTAAGACCTTTACAATGCAATT[C>T]ATCAAAGTTAGTCCTCCATAATAAGACCTATGAAAAAAGTCAATGATGTTGGCAGTTATT-3'
Protein context (NP_758440.1, residues 293-313): QVLLWRTNFD[Glu303Lys]LHCKGLTKRN